The following is an entry in ClinVar:

NM_006231.4(POLE):c.637G>T (p.Asp213Tyr)

Gene: POLE (DNA polymerase epsilon, catalytic subunit; minus strand). Cytogenetic location: 12q24.33.
Variant type: single nucleotide variant.
Coding change: c.637G>T on transcript NM_006231.4 (MANE Select); coding-DNA position 637, G replaced by T.
Protein change: p.Asp213Tyr; replaces aspartic acid 213 with tyrosine.
Molecular consequence: missense variant.
Genome position (GRCh38, 1-based): chr12:132,677,661, C>A on the plus strand (G>T on the coding strand, the complement: POLE is on the minus strand). VCF-style: chr12-132677661-C-A. GRCh37 (hg19) VCF-style: chr12-133254247-C-A.
Other names: short protein forms D213Y.
Identifiers: ClinVar variation 1021064 (VCV001021064.8), dbSNP rs2043086418, ClinGen allele CA387365177.

ClinVar aggregate classification (germline): Uncertain significance (1 of 4 stars; one submission).

Submission:

Labcorp Genetics (formerly Invitae), Labcorp
Classification: Uncertain significance. Last evaluated: 2022-11-23. Review status: criteria provided, single submitter. Criteria: Invitae Variant Classification Sherloc (09022015). Collection method: clinical testing. Allele origin: germline.
Comment: This sequence change replaces aspartic acid, which is acidic and polar, with tyrosine, which is neutral and polar, at codon 213 of the POLE protein (p.Asp213Tyr). This variant is not present in population databases (gnomAD no frequency). This variant has not been reported in the literature in individuals affected with POLE-related conditions. ClinVar contains an entry for this variant (Variation ID: 1021064). Algorithms developed to predict the effect of missense changes on protein structure and function (SIFT, PolyPhen-2, Align-GVGD) all suggest that this variant is likely to be disruptive. In summary, the available evidence is currently insufficient to determine the role of this variant in disease. Therefore, it has been classified as a Variant of Uncertain Significance.